The following is an entry in ClinVar:

NM_014714.4(IFT140):c.2701C>T (p.Arg901Cys)

Gene: IFT140 (intraflagellar transport 140; minus strand). Cytogenetic location: 16p13.3.
Variant type: single nucleotide variant.
Coding change: c.2701C>T on transcript NM_014714.4 (MANE Select); coding-DNA position 2701, C replaced by T.
Protein change: p.Arg901Cys; replaces arginine 901 with cysteine.
Molecular consequence: missense variant.
Genome position (GRCh38, 1-based): chr16:1,525,954, G>A on the plus strand (C>T on the coding strand, the complement: IFT140 is on the minus strand). VCF-style: chr16-1525954-G-A. GRCh37 (hg19) VCF-style: chr16-1575955-G-A.
Other names: short protein forms R901C.
Identifiers: ClinVar variation 854025 (VCV000854025.10), dbSNP rs778004145, ClinGen allele CA7813525.

ClinVar aggregate classification (germline): Uncertain significance. Review status: criteria provided, multiple submitters, no conflicts (2 of 4 stars). 4 submissions from 4 submitters: Uncertain significance (4). Last evaluated 2026-08-06.

Conditions:
Retinitis pigmentosa 80 (RP80). Identifiers: MedGen C4540439, MONDO:0054708, OMIM 617781.
Saldino-Mainzer syndrome (SRTD9). Also called: short-rib thoracic dysplasia 9 with or without polydactyly; CONORENAL SYNDROME; SHORT-RIB THORACIC DYSPLASIA 9 WITHOUT POLYDACTYLY; Renal dysplasia, retinal pigmentary dystrophy, cerebellar ataxia and skeletal dysplasia. Identifiers: Orphanet 140969, MedGen C1849437, MONDO:0009964, OMIM 266920.

Allele frequency attached by ClinVar (database versions not stated): TOPMed 0.00001; gnomAD 0.00002 and 0.00003; gnomAD exomes 0.00002 and 0.00001; ExAC 0.00007.
gnomAD v4.1: 22 of 1,580,702 alleles (0.0014%); highest among the groups gnomAD compares: South Asian, 0.01%; no homozygotes.

Submissions (4):

OLLIN Analises Genomicas, OLLIN
Classification: Uncertain significance for Retinitis pigmentosa 80. Last evaluated: 2026-08-06. Review status: criteria provided, single submitter. Criteria: ACMG Guidelines 2015 PMID 25741868. Collection method: clinical testing. Allele origin: germline. Inheritance: Autosomal recessive inheritance.
Comment: This missense variant, located in exon 21 (of 31), has been reported in ClinVar (accession VCV000854025.8) and in gnomAD with an allele frequency of 0.0014%. However, to our knowledge, it has not been reported in the scientific literature. In silico analysis is inconclusive regarding the impact of this variant. According to the currently available evidence, this variant has been classified as uncertain significance (PM2_P).

Labcorp Genetics (formerly Invitae), Labcorp
Classification: Uncertain significance for Saldino-Mainzer syndrome. Last evaluated: 2025-12-02. Review status: criteria provided, single submitter. Criteria: Invitae Variant Classification Sherloc (09022015). Collection method: clinical testing. Allele origin: germline.
Comment: This sequence change replaces arginine, which is basic and polar, with cysteine, which is neutral and slightly polar, at codon 901 of the IFT140 protein (p.Arg901Cys). The frequency data for this variant in the population databases is considered unreliable, as metrics indicate poor data quality at this position in the gnomAD database. This variant has not been reported in the literature in individuals affected with IFT140-related conditions. ClinVar contains an entry for this variant (Variation ID: 854025). Invitae Evidence Modeling of protein sequence and biophysical properties (such as structural, functional, and spatial information, amino acid conservation, physicochemical variation, residue mobility, and thermodynamic stability) has been performed for this missense variant. However, the output from this modeling did not meet the statistical confidence thresholds required to predict the impact of this variant on IFT140 protein function. In summary, the available evidence is currently insufficient to determine the role of this variant in disease. Therefore, it has been classified as a Variant of Uncertain Significance.

Blueprint Genetics
Classification: Uncertain significance. Last evaluated: 2023-11-24. Review status: criteria provided, single submitter. Criteria: ACMG Guidelines, 2015. Collection method: clinical testing. Allele origin: germline.

Fulgent Genetics
Classification: Uncertain significance for Saldino-Mainzer syndrome; Retinitis pigmentosa 80. Last evaluated: 2021-10-27. Review status: criteria provided, single submitter. Criteria: ACMG Guidelines, 2015. Collection method: clinical testing. Allele origin: unknown.